The following is an entry in ClinVar:

ClinVar aggregate classification (germline): Benign (0 of 4 stars; one submission).

Conditions:
THBS2-related disorder. Also called: THBS2-related condition.

Allele frequency attached by ClinVar (database versions not stated): gnomAD exomes 0.19470; ExAC 0.20502; gnomAD 0.21236; TOPMed 0.21407; ESP Exome Variant Server 0.21713; 1000 Genomes Project 30x 0.21783; 1000 Genomes Project 0.22125.

Submission:

PreventionGenetics, part of Exact Sciences
Classification: Benign for THBS2-related condition. Last evaluated: 2024-08-02. Review status: no assertion criteria provided. Collection method: clinical testing. Allele origin: germline.
Comment: This variant is classified as benign based on ACMG/AMP sequence variant interpretation guidelines (Richards et al. 2015 PMID: 25741868, with internal and published modifications).

NM_003247.5(THBS2):c.3075C>T (p.Ala1025=)

Genes: THBS2 (thrombospondin 2; minus strand), THBS2-AS1 (THBS2 antisense RNA 1; plus strand). Cytogenetic location: 6q27.
Variant type: single nucleotide variant.
Coding change: c.3075C>T on transcript NM_003247.5 (MANE Select); coding-DNA position 3075, C replaced by T.
Protein change: p.Ala1025=; no amino-acid change (alanine 1025 retained).
Molecular consequence: synonymous variant. On other transcripts: non-coding transcript variant (2).
Genome position (GRCh38, 1-based): chr6:169,222,395, G>A on the plus strand (C>T on the coding strand, the complement: THBS2 is on the minus strand). VCF-style: chr6-169222395-G-A. GRCh37 (hg19) VCF-style: chr6-169622490-G-A.
Other names: c.2901C>T, p.Ala967= (NM_001381939.1); c.2844C>T, p.Ala948= (NM_001381942.1).
Identifiers: ClinVar variation 3059272 (VCV003059272.2), dbSNP rs9505895, ClinGen allele CA4102774.